The following is an entry in ClinVar:

NM_005609.4(PYGM):c.1A>C (p.Met1Leu)

Gene: PYGM (glycogen phosphorylase, muscle associated; minus strand). Cytogenetic location: 11q13.1.
Variant type: single nucleotide variant.
Coding change: c.1A>C on transcript NM_005609.4 (MANE Select); coding-DNA position 1, A replaced by C.
Protein change: p.Met1Leu; changes the start codon (methionine 1).
Molecular consequence: missense variant, initiator codon variant.
Genome position (GRCh38, 1-based): chr11:64,759,898, T>G on the plus strand (A>C on the coding strand, the complement: PYGM is on the minus strand). VCF-style: chr11-64759898-T-G. GRCh37 (hg19) VCF-style: chr11-64527370-T-G.
Other names: c.1A>C, p.Met1Leu (NM_001164716.1); c.1A>C (NM_005609.3); short protein forms M1L.
Identifiers: ClinVar variation 156341 (VCV000156341.12), dbSNP rs267606993, ClinGen allele CA270754.

ClinVar aggregate classification (germline): Pathogenic. Review status: criteria provided, multiple submitters, no conflicts (2 of 4 stars). 6 submissions from 6 submitters: Pathogenic (4). 2 of the submissions do not count toward it. Last evaluated 2025-07-21.

Conditions:
Glycogen storage disease, type V (GSD5). Also called: McArdle type glycogen storage disease; MCARDLE DISEASE; MUSCLE GLYCOGEN PHOSPHORYLASE DEFICIENCY; MYOPHOSPHORYLASE DEFICIENCY; PYGM DEFICIENCY. Identifiers: Orphanet 368, MedGen C0017924, MONDO:0009293, OMIM 232600.

Submissions (6):

Myriad Genetics, Inc.
Classification: Pathogenic for Glycogen storage disease, type V. Last evaluated: 2025-07-21. Review status: criteria provided, single submitter. Criteria: Myriad Autosomal Dominant, Autosomal Recessive and X-Linked Classification Criteria (2023). Collection method: clinical testing. Allele origin: unknown.
Comment: NM_005609.2(PYGM):c.1A>C(M1?) is an initiation codon variant classified as pathogenic in the context of glycogen storage disease, PYGM-related. M1? has been observed in a case with relevant disease (PMID: 7951262). Relevant functional assessments of this variant are not available in the literature. M1? has been observed in referenced population frequency databases. In summary, NM_005609.2(PYGM):c.1A>C(M1?) is an initiation codon variant that has been observed more frequently in cases with the relevant disease than in healthy populations. Please note: this variant was assessed in the context of healthy population screening.

Natera, Inc.
Classification: Pathogenic for Glycogen storage disease V. Last evaluated: 2025-01-27. Review status: criteria provided, single submitter. Criteria: Natera Variant Classification Schema (03/2026). Collection method: clinical testing. Allele origin: germline.
Comment: The c.1A>C variant in PYGM is predicted to result in start loss due to disruption of the initiator methionine. This variant is expected to result in nonsense mediated decay, truncation, or a dysfunctional protein product. This variant is rare in the general population with a frequency below the threshold expected for the associated phenotype(s). This variant has been observed in one or more individuals affected with the associated recessive disease, as either homozygous or compound heterozygous with a second variant (PMID: 7951262). Given the available evidence, this variant is classified as Pathogenic.

Labcorp Genetics (formerly Invitae), Labcorp
Classification: Pathogenic for Glycogen storage disease, type V. Last evaluated: 2023-08-02. Review status: criteria provided, single submitter. Criteria: Invitae Variant Classification Sherloc (09022015). Collection method: clinical testing. Allele origin: germline.
Comment: This sequence change affects the initiator methionine of the PYGM mRNA. The next in-frame methionine is located at codon 92. This variant is not present in population databases (gnomAD no frequency). Disruption of the initiator codon has been observed in individual(s) with McArdle’s disease (PMID: 7951262, 9506549, 25740218, 28967462). ClinVar contains an entry for this variant (Variation ID: 156341). For these reasons, this variant has been classified as Pathogenic.

Revvity Omics, Revvity
Classification: Pathogenic for Glycogen storage disease, type V. Last evaluated: 2019-09-26. Review status: criteria provided, single submitter. Criteria: ACMG Guidelines, 2015. Collection method: clinical testing. Allele origin: germline.

OMIM
Classification: Pathogenic for MCARDLE DISEASE. Last evaluated: 1994-01-01. Review status: no assertion criteria provided. Collection method: literature only. Allele origin: germline. Not counted in ClinVar's aggregate classification.

ClinVar Staff, National Center for Biotechnology Information (NCBI)
No classification provided. Condition: Glycogen storage disease, type V. Review status: no classification provided. Collection method: not provided. Allele origin: unknown. Not counted in ClinVar's aggregate classification.

Literature cited by the submitters: PubMed 7951262 (cited by 4 submitters); PubMed 9506549 (cited by Labcorp Genetics (formerly Invitae), Labcorp); PubMed 25740218 (cited by Labcorp Genetics (formerly Invitae), Labcorp); PubMed 28967462 (cited by Labcorp Genetics (formerly Invitae), Labcorp).